The following is an entry in ClinVar:

ClinVar aggregate classification (germline): Uncertain significance (1 of 4 stars; one submission).

Conditions:
Hereditary pancreatitis (PCTT). Also called: Hereditary chronic pancreatitis; PRSS1-Related Hereditary Pancreatitis. Identifiers: Orphanet 676, MedGen C0238339, MONDO:0008185, OMIM 167800.

Submission:

Ambry Genetics
Classification: Uncertain significance for Hereditary pancreatitis. Last evaluated: 2026-05-29. Review status: criteria provided, single submitter. Criteria: Ambry Variant Classification Scheme 2023. Collection method: clinical testing. Allele origin: germline.
Comment: The p.N25Y variant (also known as c.73A>T), located in coding exon 2 of the CTRC gene, results from an A to T substitution at nucleotide position 73. The asparagine at codon 25 is replaced by tyrosine, an amino acid with dissimilar properties. This amino acid position is not well conserved in available vertebrate species. In addition, this alteration is predicted to be tolerated by in silico analysis. Based on the available evidence, the clinical significance of this variant remains unclear.

NM_007272.3(CTRC):c.73A>T (p.Asn25Tyr)

Gene: CTRC (chymotrypsin C; plus strand). Cytogenetic location: 1p36.21.
Variant type: single nucleotide variant.
Coding change: c.73A>T on transcript NM_007272.3 (MANE Select); coding-DNA position 73, A replaced by T.
Protein change: p.Asn25Tyr; replaces asparagine 25 with tyrosine.
Molecular consequence: missense variant.
Genome position (GRCh38, 1-based): chr1:15,440,332, A>T. VCF-style: chr1-15440332-A-T. GRCh37 (hg19) VCF-style: chr1-15766828-A-T.
Other names: short protein forms N25Y.
Identifiers: ClinVar variation 4869518 (VCV004869518.1).